The following is an entry in ClinVar:

ClinVar aggregate classification (germline): Uncertain significance (1 of 4 stars; one submission).

Submission:

Labcorp Genetics (formerly Invitae), Labcorp
Classification: Uncertain significance. Last evaluated: 2025-11-23. Review status: criteria provided, single submitter. Criteria: Invitae Variant Classification Sherloc (09022015). Collection method: clinical testing. Allele origin: germline.
Comment: This sequence change replaces arginine, which is basic and polar, with serine, which is neutral and polar, at codon 267 of the ROBO2 protein (p.Arg267Ser). This variant is not present in population databases (gnomAD no frequency). This variant has not been reported in the literature in individuals affected with ROBO2-related conditions. Invitae Evidence Modeling of protein sequence and biophysical properties (such as structural, functional, and spatial information, amino acid conservation, physicochemical variation, residue mobility, and thermodynamic stability) indicates that this missense variant is not expected to disrupt ROBO2 protein function with a negative predictive value of 95%. In summary, the available evidence is currently insufficient to determine the role of this variant in disease. Therefore, it has been classified as a Variant of Uncertain Significance.

NM_001395656.1(ROBO2):c.801A>T (p.Arg267Ser)

Gene: ROBO2 (roundabout guidance receptor 2; plus strand). Cytogenetic location: 3p12.3.
Variant type: single nucleotide variant.
Coding change: c.801A>T on transcript NM_001395656.1 (MANE Select); coding-DNA position 801, A replaced by T.
Protein change: p.Arg267Ser; replaces arginine 267 with serine.
Molecular consequence: missense variant. On other transcripts: 5 prime UTR variant (1).
Genome position (GRCh38, 1-based): chr3:77,493,377, A>T. VCF-style: chr3-77493377-A-T. GRCh37 (hg19) VCF-style: chr3-77542528-A-T.
Other names: c.849A>T, p.Arg283Ser (NM_001128929.3, NM_001378190.1, NM_001378191.1 and 5 more transcripts); c.801A>T, p.Arg267Ser (NM_001290039.2, NM_001290040.2, NM_001378193.1 and 3 more transcripts); c.-1118A>T (NM_001290065.2); c.870A>T, p.Arg290Ser (NM_001378192.1, NM_001378194.1, NM_001378198.1 and 5 more transcripts); short protein forms R267S, R283S, R290S.
Identifiers: ClinVar variation 4801738 (VCV004801738.1).